The following is an entry in ClinVar:

ClinVar aggregate classification (germline): Uncertain significance (1 of 4 stars; one submission).

Conditions:
Hereditary cancer-predisposing syndrome. Also called: Neoplastic Syndromes, Hereditary; Tumor predisposition; Hereditary Cancer Syndrome; Hereditary neoplastic syndrome. Identifiers: Orphanet 140162, MedGen C0027672, MeSH D009386, MONDO:0015356.

Submission:

Color Diagnostics, LLC DBA Color Health
Classification: Uncertain significance for Hereditary cancer-predisposing syndrome. Last evaluated: 2024-04-03. Review status: criteria provided, single submitter. Criteria: ACMG Guidelines, 2015. Collection method: clinical testing. Allele origin: germline.
Comment: This variant causes a 3-basepair deletion in the 3' untranslated region of the BRCA1 gene. To our knowledge, functional studies have not been reported for this variant. This variant has not been reported in individuals affected with BRCA1-related disorders in the literature. This variant has not been identified in the general population by the Genome Aggregation Database (gnomAD). The available evidence is insufficient to determine the role of this variant in disease conclusively. Therefore, this variant is classified as a Variant of Uncertain Significance.

NM_007294.4(BRCA1):c.*1269_*1271del

Gene: BRCA1 (BRCA1 DNA repair associated; minus strand). Cytogenetic location: 17q21.31.
Variant type: Deletion.
Coding change: c.*1269_*1271del on transcript NM_007294.4 (MANE Select); 1269 bases downstream of the stop codon through 1271 bases downstream of the stop codon, 3 bases deleted (GGT; older notation c.*1269_*1271delGGT).
Molecular consequence: 3 prime UTR variant.
Genome position (GRCh38, 1-based): chr17:43,044,407-43,044,409, ACC deleted on the plus strand (GGT on the coding strand, the reverse complement: BRCA1 is on the minus strand). VCF-style (leftmost placement, unchanged base first): chr17-43044406-GACC-G. GRCh37 (hg19) VCF-style: chr17-41196423-GACC-G.
Other names: c.*1269_*1271del (NM_001407875.1, NM_001407879.1, NM_001407881.1 and 347 more transcripts); c.*1375_*1377del (NM_001407937.1, NM_001407938.1, NM_001407939.1 and 14 more transcripts).
Identifiers: ClinVar variation 3894319 (VCV003894319.1).